The following is an entry in ClinVar:

ClinVar aggregate classification (germline): Uncertain significance. Review status: criteria provided, multiple submitters, no conflicts (2 of 4 stars). 2 submissions from 2 submitters: Uncertain significance (2). Last evaluated 2025-03-17.

Conditions:
Developmental and epileptic encephalopathy 94 (DEE94). Also called: CHD2-Related Neurodevelopmental Disorders; Epileptic encephalopathy, childhood-onset. Identifiers: Orphanet 1942, Orphanet 2382, MedGen C3809278, MONDO:0014150, OMIM 615369.

Submissions (2):

Labcorp Genetics (formerly Invitae), Labcorp
Classification: Uncertain significance for Developmental and epileptic encephalopathy 94. Last evaluated: 2025-03-17. Review status: criteria provided, single submitter. Criteria: Invitae Variant Classification Sherloc (09022015). Collection method: clinical testing. Allele origin: germline.
Comment: This sequence change replaces glutamic acid, which is acidic and polar, with threonine, which is neutral and polar, at codon 412 of the CHD2 protein (p.Glu412Thr). Information on the frequency of this variant in the gnomAD database is not available, as this variant may be reported differently in the database. This variant has not been reported in the literature in individuals affected with CHD2-related conditions. ClinVar contains an entry for this variant (Variation ID: 1019442). An algorithm developed to predict the effect of missense changes on protein structure and function (PolyPhen-2) suggests that this variant is likely to be disruptive. In summary, the available evidence is currently insufficient to determine the role of this variant in disease. Therefore, it has been classified as a Variant of Uncertain Significance.

Women's Health and Genetics/Laboratory Corporation of America, LabCorp
Classification: Uncertain significance. Last evaluated: 2024-12-02. Review status: criteria provided, single submitter. Criteria: LabCorp Variant Classification Summary - May 2015. Collection method: clinical testing. Allele origin: germline.
Comment: Variant summary: CHD2 c.1234_1235delinsAC (p.Glu412Thr) results in a non-conservative amino acid change in the encoded protein sequence. Three of four in-silico tools predict a damaging effect of the variant on protein function. Component single nucleotide alleles that would comprise this variant in cis were found at a frequency of 3.7e-06 in 1605174 control chromosomes, both found in 6 alleles of the non-Finnish European population in the gnomad v.4.1 database. The available data on variant occurrences in the general population are insufficient to allow any conclusion about variant significance. To our knowledge, no occurrence of c.1234_1235delinsAC in individuals affected with Developmental And Epileptic Encephalopathy 94 and no experimental evidence demonstrating its impact on protein function have been reported. ClinVar contains an entry for this variant (Variation ID: 1019442). Based on the evidence outlined above, the variant was classified as uncertain significance.

NM_001271.4(CHD2):c.1234_1235delinsAC (p.Glu412Thr)

Gene: CHD2 (chromodomain helicase DNA binding protein 2; plus strand). Cytogenetic location: 15q26.1.
Variant type: Indel.
Coding change: c.1234_1235delinsAC on transcript NM_001271.4 (MANE Select); coding-DNA positions 1234 to 1235, GA replaced by AC.
Protein change: p.Glu412Thr; replaces glutamic acid 412 with threonine.
Molecular consequence: missense variant.
Genome position (GRCh38, 1-based): chr15:92,946,073-92,946,074, GA replaced by AC. VCF-style: chr15-92946073-GA-AC. GRCh37 (hg19) VCF-style: chr15-93489303-GA-AC.
Other names: c.1234_1235delinsAC, p.Glu412Thr (NM_001042572.3); short protein forms E412T.
Identifiers: ClinVar variation 1019442 (VCV001019442.8), dbSNP rs2053463440, ClinGen allele CA2196358414.